The following is an entry in ClinVar:

ClinVar aggregate classification (germline): Uncertain significance (1 of 4 stars; one submission).

Conditions:
Emery-Dreifuss muscular dystrophy 5, autosomal dominant (EDMD5). Also called: EMERY-DREIFUSS MUSCULAR DYSTROPHY 5. Identifiers: Orphanet 261, MedGen C2751805, MONDO:0013072, OMIM 612999.

Allele frequency attached by ClinVar (database versions not stated): ExAC 0.00001; gnomAD exomes 0.00001; gnomAD 0.00002 and 0.00003; TOPMed 0.00002; ESP Exome Variant Server 0.00008.
gnomAD v4.1: 19 of 1,613,952 alleles (0.0012%); highest among the groups gnomAD compares: Admixed American, 0.0033%; no homozygotes.

Submission:

Labcorp Genetics (formerly Invitae), Labcorp
Classification: Uncertain significance for Emery-Dreifuss muscular dystrophy 5, autosomal dominant. Last evaluated: 2025-12-31. Review status: criteria provided, single submitter. Criteria: Invitae Variant Classification Sherloc (09022015). Collection method: clinical testing. Allele origin: germline.
Comment: This sequence change replaces arginine, which is basic and polar, with tryptophan, which is neutral and slightly polar, at codon 6127 of the SYNE2 protein (p.Arg6127Trp). This variant is present in population databases (rs368136441, gnomAD 0.004%). This variant has not been reported in the literature in individuals affected with SYNE2-related conditions. ClinVar contains an entry for this variant (Variation ID: 949350). An algorithm developed to predict the effect of missense changes on protein structure and function (PolyPhen-2) suggests that this variant is likely to be disruptive. In summary, the available evidence is currently insufficient to determine the role of this variant in disease. Therefore, it has been classified as a Variant of Uncertain Significance.

NM_182914.3(SYNE2):c.18379C>T (p.Arg6127Trp)

Gene: SYNE2 (spectrin repeat containing nuclear envelope protein 2; plus strand). Cytogenetic location: 14q23.2.
Variant type: single nucleotide variant.
Coding change: c.18379C>T on transcript NM_182914.3 (MANE Select); coding-DNA position 18379, C replaced by T.
Protein change: p.Arg6127Trp; replaces arginine 6127 with tryptophan.
Molecular consequence: missense variant.
Genome position (GRCh38, 1-based): chr14:64,208,935, C>T. VCF-style: chr14-64208935-C-T. GRCh37 (hg19) VCF-style: chr14-64675653-C-T.
Other names: c.18379C>T, p.Arg6127Trp (NM_015180.6); short protein forms R6127W.
Identifiers: ClinVar variation 949350 (VCV000949350.9), dbSNP rs368136441, ClinGen allele CA7224046.